The following is an entry in ClinVar:

NM_001267550.2(TTN):c.62366T>C (p.Leu20789Pro)

Genes: TTN (titin; minus strand), TTN-AS1 (TTN antisense RNA 1; plus strand). Cytogenetic location: 2q31.2.
Variant type: single nucleotide variant.
Coding change: c.62366T>C on transcript NM_001267550.2 (MANE Select); coding-DNA position 62366, T replaced by C.
Protein change: p.Leu20789Pro; replaces leucine 20789 with proline.
Molecular consequence: missense variant.
Genome position (GRCh38, 1-based): chr2:178,589,359, A>G on the plus strand (T>C on the coding strand, the complement: TTN is on the minus strand). VCF-style: chr2-178589359-A-G. GRCh37 (hg19) VCF-style: chr2-179454086-A-G.
Other names: c.57443T>C, p.Leu19148Pro (NM_001256850.1); c.35171T>C, p.Leu11724Pro (NM_003319.4); c.54662T>C, p.Leu18221Pro (NM_133378.4); c.35546T>C, p.Leu11849Pro (NM_133432.3); c.35747T>C, p.Leu11916Pro (NM_133437.4); short protein forms L11724P, L11849P, L11916P, L18221P, L19148P, L20789P.
Identifiers: ClinVar variation 3901802 (VCV003901802.1).
Genomic context (GRCh38, chr2:178,589,359, plus strand): 5'-GCGTCTTTGTCCTTGGTCCATGCAACTTCTGGGAATGGTTTGCCTCTAACCCCTGCCTCA[A>G]GCCTAATGGTGTCCCCTGCTTTGACAGTTAGGACCCCACTTAATTTCAGATCAAGTACTG-3'
Protein context (NP_001254479.2, residues 20779-20799): LTVKAGDTIR[Leu20789Pro]EAGVRGKPFP

ClinVar aggregate classification (germline): Uncertain significance (1 of 4 stars; one submission).

gnomAD v4.1: 6 of 1,613,246 alleles (0.00037%); highest among the groups gnomAD compares: African/African-American, 0.008%; no homozygotes.

Submission:

GeneDx
Classification: Uncertain significance. Last evaluated: 2024-12-06. Review status: criteria provided, single submitter. Criteria: GeneDx Variant Classification Process June 2021. Collection method: clinical testing. Allele origin: germline. Affected: yes.
Comment: Not observed at significant frequency in large population cohorts (gnomAD); Missense variant in a gene in which most reported pathogenic variants are truncating/loss of function; Has not been previously published as pathogenic or benign to our knowledge